The following is an entry in ClinVar:

NM_000535.7(PMS2):c.983A>G (p.Asp328Gly)

Gene: PMS2 (PMS1 homolog 2, mismatch repair system component; minus strand). Cytogenetic location: 7p22.1.
Variant type: single nucleotide variant.
Coding change: c.983A>G on transcript NM_000535.7 (MANE Select); coding-DNA position 983, A replaced by G.
Protein change: p.Asp328Gly; replaces aspartic acid 328 with glycine.
Molecular consequence: missense variant. On other transcripts: non-coding transcript variant (1).
Genome position (GRCh38, 1-based): chr7:5,991,978, T>C on the plus strand (A>G on the coding strand, the complement: PMS2 is on the minus strand). VCF-style: chr7-5991978-T-C. GRCh37 (hg19) VCF-style: chr7-6031609-T-C.
Other names: c.578A>G, p.Asp193Gly (NM_001322003.2, NM_001322004.2, NM_001322005.2 and 2 more transcripts); c.983A>G, p.Asp328Gly (NM_001322006.2, NM_001322014.2); c.665A>G, p.Asp222Gly (NM_001322007.2, NM_001322008.2); c.50A>G, p.Asp17Gly (NM_001322011.2, NM_001322012.2); c.410A>G, p.Asp137Gly (NM_001322013.2); c.674A>G, p.Asp225Gly (NM_001322015.2); short protein forms D328G, D17G, D193G, D225G, D137G, D222G.
Identifiers: ClinVar variation 142960 (VCV000142960.43), dbSNP rs587782852, ClinGen allele CA013395.

ClinVar aggregate classification (germline): Conflicting classifications of pathogenicity. Review status: criteria provided, conflicting classifications (1 of 4 stars). 16 submissions from 16 submitters: Uncertain significance (13); Benign (1); Likely benign (1). 1 of the submissions does not count toward it. Last evaluated 2026-08-06.

Conditions:
PMS2-related disorder. Also called: PMS2-related condition.
Mismatch repair cancer syndrome 4. Identifiers: MedGen C5436817, MONDO:0030843, OMIM 619101.
Hereditary nonpolyposis colorectal neoplasms. Identifiers: MedGen C0009405, MeSH D003123.
Lynch syndrome 4 (LYNCH4). Also called: Colorectal cancer, hereditary nonpolyposis, type 4; Hereditary non-polyposis colorectal cancer, type 4. Identifiers: Orphanet 144, MedGen C1838333, MONDO:0013699, OMIM 614337. Disease mechanism: loss of function.
Hereditary cancer-predisposing syndrome. Also called: Tumor predisposition; Neoplastic Syndromes, Hereditary; Hereditary neoplastic syndrome; Hereditary Cancer Syndrome. Identifiers: Orphanet 140162, MedGen C0027672, MeSH D009386, MONDO:0015356.
Lynch syndrome. Identifiers: Orphanet 144, MedGen C4552100, MONDO:0005835. Disease mechanism: loss of function.

Allele frequency attached by ClinVar (database versions not stated): TOPMed below 0.00001; gnomAD 0.00001; ExAC 0.00002; gnomAD exomes 0.00002.
gnomAD v4.1: 36 of 1,534,076 alleles (0.0023%); highest among the groups gnomAD compares: Non-Finnish European, 0.0029%; no homozygotes.

Submissions (16):

OLLIN Analises Genomicas, OLLIN
Classification: Uncertain significance for Mismatch repair cancer syndrome 4. Last evaluated: 2026-08-06. Review status: criteria provided, single submitter. Criteria: ACMG Guidelines 2015 PMID 25741868. Collection method: clinical testing. Allele origin: germline.
Comment: This missense variant, located in exon 9 (of 15), has been reported in ClinVar (accession VCV000142960.41) and in gnomAD with an allele frequency of 0.0023%. However, to our knowledge, it has not been reported in the scientific literature. In silico analysis predicts that this variant has a tolerated effect. According to the currently available evidence, this variant has been classified as uncertain significance (BP4).

PreventionGenetics, part of Exact Sciences
Classification: Uncertain significance for PMS2-related condition. Last evaluated: 2026-04-06. Review status: criteria provided, single submitter. Criteria: ACMG Guidelines, 2015. Collection method: clinical testing. Allele origin: germline.
Comment: The PMS2 c.983A>G variant is predicted to result in the amino acid substitution p.Asp328Gly. This variant has been reported in individuals with PMS2 related phenotypes including colorectal and endometrial cancers; however no functional or family segregation studies have confirmed its pathogenicity (Clendenning et al. 2012. PubMed ID: 23017166; Ring et al. 2016. PubMed ID: 27443514; Yehia et al. 2018. PubMed ID: 29684080). This variant is reported in 0.0044% of alleles in individuals of European (Non-Finnish) descent in gnomAD, and has conflicting interpretations of pathogenicity in ClinVar ranging from uncertain significance to benign (Variation ID: 142960). At this time, the clinical significance of this variant is uncertain due to the absence of conclusive functional and genetic evidence.

Labcorp Genetics (formerly Invitae), Labcorp
Classification: Benign for Hereditary nonpolyposis colorectal neoplasms. Last evaluated: 2026-01-18. Review status: criteria provided, single submitter. Criteria: Invitae Variant Classification Sherloc (09022015). Collection method: clinical testing. Allele origin: germline.

Ambry Genetics
Classification: Uncertain significance for Hereditary cancer-predisposing syndrome. Last evaluated: 2025-04-16. Review status: criteria provided, single submitter. Criteria: Ambry Variant Classification Scheme 2023. Collection method: clinical testing. Allele origin: germline.
Comment: The p.D328G variant (also known as c.983A>G), located in coding exon 9 of the PMS2 gene, results from an A to G substitution at nucleotide position 983. The aspartic acid at codon 328 is replaced by glycine, an amino acid with similar properties. This alteration has been previously detected in a cohort of 381 unselected endometrial cancer patients who underwent multi-gene panel testing (Ring KL et al. Mod Pathol, 2016 Nov;29:1381-1389). This amino acid position is not well conserved in available vertebrate species. In addition, the in silico prediction for this alteration is inconclusive. Based on the available evidence, the clinical significance of this variant remains unclear.

Department of Pathology and Laboratory Medicine, Sinai Health System
Classification: Uncertain significance for Lynch syndrome 4; Mismatch repair cancer syndrome 4. Last evaluated: 2025-01-14. Review status: criteria provided, single submitter. Criteria: ACMG Guidelines, 2015. Collection method: clinical testing. Allele origin: germline.

Blueprint Genetics
Classification: Uncertain significance. Last evaluated: 2024-08-27. Review status: criteria provided, single submitter. Criteria: ACMG Guidelines, 2015. Collection method: clinical testing. Allele origin: germline.

All of Us Research Program, National Institutes of Health
Classification: Uncertain significance for Lynch syndrome. Last evaluated: 2024-06-11. Review status: criteria provided, single submitter. Criteria: ACMG Guidelines, 2015. Collection method: clinical testing. Allele origin: germline. Inheritance: Autosomal dominant inheritance. Observed: 15 variant alleles, 15 heterozygotes.
Comment: This missense variant replaces aspartic acid with glycine at codon 328 of the PMS2 protein. Computational prediction is inconclusive regarding the impact of this variant on protein structure and function (internally defined REVEL score threshold 0.5 < inconclusive < 0.7, PMID: 27666373). To our knowledge, functional studies have not been reported for this variant. This variant has been reported in individuals affected with colorectal cancer (PMID: 23017166, 29684080) and endometrial cancer (PMID: 27443514). This variant has been identified in 6/251110 chromosomes in the general population by the Genome Aggregation Database (gnomAD). The available evidence is insufficient to determine the role of this variant in disease conclusively. Therefore, this variant is classified as a Variant of Uncertain Significance.

This study involves interpretation of variants in research participants for the purpose of population health screening. Participant phenotype was not available at the time of variant classification. Additional details can be found in publication PMID: 35346344, PMCID: PMC8962531

Color Diagnostics, LLC DBA Color Health
Classification: Uncertain significance for Hereditary cancer-predisposing syndrome. Last evaluated: 2024-03-18. Review status: criteria provided, single submitter. Criteria: ACMG Guidelines, 2015. Collection method: clinical testing. Allele origin: germline.
Comment: This missense variant replaces aspartic acid with glycine at codon 328 of the PMS2 protein. Computational prediction is inconclusive regarding the impact of this variant on protein structure and function (internally defined REVEL score threshold 0.5 < inconclusive < 0.7, PMID: 27666373). To our knowledge, functional studies have not been reported for this variant. This variant has been reported in individuals affected with colorectal, breast, ovarian, endometrial, or pancreatic cancer (PMID: 23017166, 27443514, 29684080, 33471991, 34371384, 335264596, 35449176). This variant has been identified in 6/251110 chromosomes in the general population by the Genome Aggregation Database (gnomAD). The available evidence is insufficient to determine the role of this variant in disease conclusively. Therefore, this variant is classified as a Variant of Uncertain Significance.

Baylor Genetics
Classification: Uncertain significance for Lynch syndrome 4. Last evaluated: 2024-02-13. Review status: criteria provided, single submitter. Criteria: ACMG Guidelines, 2015. Collection method: clinical testing. Allele origin: unknown.

GeneDx
Classification: Uncertain significance. Last evaluated: 2023-10-16. Review status: criteria provided, single submitter. Criteria: GeneDx Variant Classification Process June 2021. Collection method: clinical testing. Allele origin: germline. Affected: yes.
Comment: In silico analysis supports that this missense variant has a deleterious effect on protein structure/function; This variant is associated with the following publications: (PMID: 22949387, 27443514, 23017166, 11574484, 35264596, 29684080, 35449176, 34371384)

Quest Diagnostics Nichols Institute San Juan Capistrano
Classification: Uncertain significance. Last evaluated: 2023-06-05. Review status: criteria provided, single submitter. Criteria: Quest Diagnostics criteria. Collection method: clinical testing. Allele origin: unknown.
Comment: In the published literature, this variant has been reported in individuals with endometrial cancer (PMID: 27443514 (2016), breast cancer (PMID: 35449176 (2022), 35264596 (2022), and ovarian cancer (PMID: 34371384 (2021)). In a large-scale breast cancer association study, the variant was observed in individuals with breast cancer as well as in unaffected individuals (PMID: 33471991 (2021), see also LOVD). The frequency of this variant in the general population, 0.000044 (5/113648 chromosomes (Genome Aggregation Database)), is uninformative in the assessment of its pathogenicity. Analysis of this variant using bioinformatics tools for the prediction of the effect of amino acid changes on protein structure and function yielded conflicting predictions that this variant is benign or damaging. Based on the available information, we are unable to determine the clinical significance of this variant.

Myriad Genetics, Inc.
Classification: Likely benign for Lynch syndrome 4. Last evaluated: 2023-04-04. Review status: criteria provided, single submitter. Criteria: Myriad Autosomal Dominant, Autosomal Recessive and X-Linked Classification Criteria (2023). Collection method: clinical testing. Allele origin: unknown.
Comment: This variant is considered likely benign. This variant has been observed in trans with a known pathogenic variant in one or more individuals lacking clinical features consistent with gene-specific recessive disease.

Women's Health and Genetics/Laboratory Corporation of America, LabCorp
Classification: Uncertain significance. Last evaluated: 2023-03-06. Review status: criteria provided, single submitter. Criteria: LabCorp Variant Classification Summary - May 2015. Collection method: clinical testing. Allele origin: germline.
Comment: Variant summary: PMS2 c.983A>G (p.Asp328Gly) results in a non-conservative amino acid change located in the DNA mismatch repair protein family, N-terminal domain (IPR002099) of the encoded protein sequence. Four of five in-silico tools predict a damaging effect of the variant on protein function. The variant allele was found at a frequency of 2.4e-05 in 251110 control chromosomes (gnomAD). This observation needs to be cautiously considered due to the inability of the technology used to detect between the PMS2 gene and its pseudogene. Thus, the available data on variant occurrences in the general population are insufficient to allow any conclusion about variant significance. c.983A>G has been reported in the literature in settings of multigene panel testing in individuals affected with breast, ovarian and endometrial cancers, as well as in an individual with colorectal cancer whose tumors showed loss of MLH1 and PMS2 by IHC (e.g. Clendenning_2013, Ring_2016, Bono_2021, Guindalini_2022). However, these reports do not provide unequivocal conclusions about association of the variant with Hereditary Nonpolyposis Colorectal Cancer/Lynch Syndrome. To our knowledge, no experimental evidence demonstrating an impact on protein function has been reported. Seven clinical diagnostic laboratories have submitted clinical-significance assessments for this variant to ClinVar after 2014 and all classified the variant as uncertain significance. Based on the evidence outlined above, the variant was classified as uncertain significance.

Mendelics
Classification: Uncertain significance for Lynch syndrome. Last evaluated: 2018-07-02. Review status: criteria provided, single submitter. Criteria: Mendelics Assertion Criteria 2017. Collection method: clinical testing. Allele origin: unknown.

Genetic Services Laboratory, University of Chicago
Classification: Uncertain significance. Last evaluated: 2017-04-27. Review status: criteria provided, single submitter. Criteria: ACMG Guidelines, 2015. Collection method: clinical testing. Allele origin: germline. Affected: no.

Counsyl
Classification: Uncertain significance for Lynch syndrome 4. Last evaluated: 2016-03-03. Review status: no assertion criteria provided. Collection method: clinical testing. Allele origin: unknown. Not counted in ClinVar's aggregate classification.

Literature cited by the submitters: PubMed 23017166 (cited by 5 submitters); PubMed 27443514 (cited by 6 submitters); PubMed 29684080 (cited by 5 submitters); PubMed 33471991 (cited by 3 submitters); PubMed 34371384 (cited by 4 submitters); PubMed 35264596 (cited by 3 submitters); PubMed 35449176 (cited by 3 submitters).